The following is an entry in ClinVar:

ClinVar aggregate classification (germline): Benign. Review status: criteria provided, multiple submitters, no conflicts (2 of 4 stars). 2 submissions from 2 submitters: Benign (2). Last evaluated 2018-06-14.

Allele frequency attached by ClinVar (database versions not stated): TOPMed 0.41920; gnomAD 0.42598 and 0.43786; 1000 Genomes Project 30x 0.45831; 1000 Genomes Project 0.47244; gnomAD exomes 0.53307.
gnomAD v4.1: 217,135 of 434,986 alleles (50%); highest among the groups gnomAD compares: East Asian, 74%; 58,185 homozygotes.

Submissions (2):

GeneDx
Classification: Benign. Last evaluated: 2018-06-14. Review status: criteria provided, single submitter. Criteria: GeneDx Variant Classification (06012015). Collection method: clinical testing. Allele origin: germline. Affected: yes.
Comment: This variant is considered likely benign or benign based on one or more of the following criteria: it is a conservative change, it occurs at a poorly conserved position in the protein, it is predicted to be benign by multiple in silico algorithms, and/or has population frequency not consistent with disease.

Breakthrough Genomics
Classification: Benign. Review status: criteria provided, single submitter. Criteria: ACMG Guidelines, 2015. Collection method: not provided. Allele origin: germline. Inheritance: Autosomal dominant inheritance. Affected: yes.

NM_001743.6(CALM2):c.35-225G>A

Gene: CALM2 (calmodulin 2; minus strand). Cytogenetic location: 2p21.
Variant type: single nucleotide variant.
Coding change: c.35-225G>A on transcript NM_001743.6 (MANE Select); 225 bases into the intron before coding-DNA position 35, G replaced by A.
Molecular consequence: intron variant.
Genome position (GRCh38, 1-based): chr2:47,162,887, C>T on the plus strand (G>A on the coding strand, the complement: CALM2 is on the minus strand). VCF-style: chr2-47162887-C-T. GRCh37 (hg19) VCF-style: chr2-47390026-C-T.
Other names: c.179-225G>A (NM_001305624.1); c.-74-225G>A (NM_001305626.1, NM_001305625.2).
Identifiers: ClinVar variation 678452 (VCV000678452.2), dbSNP rs1027478, ClinGen allele CA11272070.